The following is an entry in ClinVar:

ClinVar aggregate classification (germline): Uncertain significance (1 of 4 stars; one submission).

gnomAD v4.1: 2 of 1,612,770 alleles (0.00012%); highest among the groups gnomAD compares: African/African-American, 0.0013%; no homozygotes.

Submission:

GeneDx
Classification: Uncertain significance. Last evaluated: 2026-02-17. Review status: criteria provided, single submitter. Criteria: GeneDx Variant Classification Process June 2021. Collection method: clinical testing. Allele origin: germline.
Comment: Not observed at significant frequency in large population cohorts (gnomAD); In silico analysis suggests that this missense variant does not alter protein structure/function; Has not been previously published as pathogenic or benign to our knowledge

NM_006059.4(LAMC3):c.4659C>G (p.Ile1553Met)

Gene: LAMC3 (laminin subunit gamma 3; plus strand). Cytogenetic location: 9q34.12.
Variant type: single nucleotide variant.
Coding change: c.4659C>G on transcript NM_006059.4 (MANE Select); coding-DNA position 4659, C replaced by G.
Protein change: p.Ile1553Met; replaces isoleucine 1553 with methionine.
Molecular consequence: missense variant.
Genome position (GRCh38, 1-based): chr9:131,091,718, C>G. VCF-style: chr9-131091718-C-G. GRCh37 (hg19) VCF-style: chr9-133967105-C-G.
Other names: short protein forms I1553M.
Identifiers: ClinVar variation 5009639 (VCV005009639.1).